The following is an entry in ClinVar:

NM_018486.3(HDAC8):c.1111+4A>G

Gene: HDAC8 (histone deacetylase 8; minus strand). Cytogenetic location: Xq13.1.
Variant type: single nucleotide variant.
Coding change: c.1111+4A>G on transcript NM_018486.3 (MANE Select); 4 bases into the intron after coding-DNA position 1111, A replaced by G.
Molecular consequence: intron variant.
Genome position (GRCh38, 1-based): chrX:72,351,729, T>C on the plus strand (A>G on the coding strand, the complement: HDAC8 is on the minus strand). VCF-style: chrX-72351729-T-C. GRCh37 (hg19) VCF-style: chrX-71571579-T-C.
Other names: c.838+4A>G (NM_001166418.2, NM_001410728.1); c.811+4A>G (NM_001441234.1); c.1033+4A>G (NM_001410727.1); c.1111+4A>G (NM_001410725.1).
Identifiers: ClinVar variation 4775180 (VCV004775180.1).

ClinVar aggregate classification (germline): Uncertain significance (1 of 4 stars; one submission).

Conditions:
Cornelia de Lange syndrome 5 (CDLS5). Also called: HDAC8-Related Cornelia de Lange Syndrome. Identifiers: Orphanet 199, MedGen C3550903, MONDO:0010471, OMIM 300882.

gnomAD v4.1: 16 of 1,193,231 alleles (0.0013%); highest among the groups gnomAD compares: Non-Finnish European, 0.0017%; no homozygotes.

Submission:

Labcorp Genetics (formerly Invitae), Labcorp
Classification: Uncertain significance for Cornelia de Lange syndrome 5. Last evaluated: 2025-06-15. Review status: criteria provided, single submitter. Criteria: Invitae Variant Classification Sherloc (09022015). Collection method: clinical testing. Allele origin: germline.
Comment: This sequence change falls in intron 10 of the HDAC8 gene. It does not directly change the encoded amino acid sequence of the HDAC8 protein. It affects a nucleotide within the consensus splice site. This variant is present in population databases (no rsID available, gnomAD 0.001%). This variant has not been reported in the literature in individuals affected with HDAC8-related conditions. Variants that disrupt the consensus splice site are a relatively common cause of aberrant splicing (PMID: 17576681, 9536098). Algorithms developed to predict the effect of sequence changes on RNA splicing suggest that this variant is not likely to affect RNA splicing. In summary, the available evidence is currently insufficient to determine the role of this variant in disease. Therefore, it has been classified as a Variant of Uncertain Significance.

Literature cited by the submitters: PubMed 17576681; PubMed 9536098.